The following is an entry in ClinVar:

NM_001034850.3(RETREG1):c.977C>G (p.Thr326Ser)

Gene: RETREG1 (reticulophagy regulator 1; minus strand). Cytogenetic location: 5p15.1.
Variant type: single nucleotide variant.
Coding change: c.977C>G on transcript NM_001034850.3 (MANE Select); coding-DNA position 977, C replaced by G.
Protein change: p.Thr326Ser; replaces threonine 326 with serine.
Molecular consequence: missense variant.
Genome position (GRCh38, 1-based): chr5:16,477,685, G>C on the plus strand (C>G on the coding strand, the complement: RETREG1 is on the minus strand). VCF-style: chr5-16477685-G-C. GRCh37 (hg19) VCF-style: chr5-16477794-G-C.
Other names: c.554C>G, p.Thr185Ser (NM_019000.5); short protein forms T185S, T326S.
Identifiers: ClinVar variation 1476411 (VCV001476411.5), dbSNP rs1209980699, ClinGen allele CA359257687.

ClinVar aggregate classification (germline): Uncertain significance (1 of 4 stars; one submission).

Allele frequency attached by ClinVar (database versions not stated): gnomAD exomes below 0.00001; gnomAD 0.00001.
gnomAD v4.1: 4 of 1,612,894 alleles (0.00025%); highest among the groups gnomAD compares: Admixed American, 0.0017%; no homozygotes.

Submission:

Labcorp Genetics (formerly Invitae), Labcorp
Classification: Uncertain significance. Last evaluated: 2021-10-20. Review status: criteria provided, single submitter. Criteria: Invitae Variant Classification Sherloc (09022015). Collection method: clinical testing. Allele origin: germline.
Comment: This variant is not present in population databases (ExAC no frequency). In summary, the available evidence is currently insufficient to determine the role of this variant in disease. Therefore, it has been classified as a Variant of Uncertain Significance. Algorithms developed to predict the effect of missense changes on protein structure and function (SIFT, PolyPhen-2, Align-GVGD) all suggest that this variant is likely to be tolerated. This variant has not been reported in the literature in individuals affected with RETREG1-related conditions. This sequence change replaces threonine with serine at codon 326 of the RETREG1 protein (p.Thr326Ser). The threonine residue is highly conserved and there is a small physicochemical difference between threonine and serine.